The following is an entry in ClinVar:

ClinVar aggregate classification (germline): Uncertain significance (1 of 4 stars; one submission).

Conditions:
Microphthalmia, syndromic 12 (MCOPS12). Also called: MICROPHTHALMIA WITH OR WITHOUT PULMONARY HYPOPLASIA, DIAPHRAGMATIC HERNIA, AND/OR CARDIAC DEFECTS. Identifiers: Orphanet 2470, Orphanet 689829, MedGen C3809803, MONDO:0014229, OMIM 615524.

Allele frequency attached by ClinVar (database versions not stated): gnomAD exomes 0.00001; gnomAD 0.00003; TOPMed 0.00003.
gnomAD v4.1: 9 of 1,614,116 alleles (0.00056%); highest among the groups gnomAD compares: African/African-American, 0.011%; no homozygotes.

Submission:

Labcorp Genetics (formerly Invitae), Labcorp
Classification: Uncertain significance for Microphthalmia, syndromic 12. Last evaluated: 2023-03-08. Review status: criteria provided, single submitter. Criteria: Invitae Variant Classification Sherloc (09022015). Collection method: clinical testing. Allele origin: germline.
Comment: In summary, the available evidence is currently insufficient to determine the role of this variant in disease. Therefore, it has been classified as a Variant of Uncertain Significance. Advanced modeling of protein sequence and biophysical properties (such as structural, functional, and spatial information, amino acid conservation, physicochemical variation, residue mobility, and thermodynamic stability) performed at Invitae indicates that this missense variant is not expected to disrupt RARB protein function. This variant has not been reported in the literature in individuals affected with RARB-related conditions. This variant is present in population databases (no rsID available, gnomAD 0.01%). This sequence change replaces glutamic acid, which is acidic and polar, with glycine, which is neutral and non-polar, at codon 182 of the RARB protein (p.Glu182Gly).

NM_000965.5(RARB):c.545A>G (p.Glu182Gly)

Gene: RARB (retinoic acid receptor beta; plus strand). Cytogenetic location: 3p24.2.
Variant type: single nucleotide variant.
Coding change: c.545A>G on transcript NM_000965.5 (MANE Select); coding-DNA position 545, A replaced by G.
Protein change: p.Glu182Gly; replaces glutamic acid 182 with glycine.
Molecular consequence: missense variant. On other transcripts: non-coding transcript variant (1).
Genome position (GRCh38, 1-based): chr3:25,569,854, A>G. VCF-style: chr3-25569854-A-G. GRCh37 (hg19) VCF-style: chr3-25611345-A-G.
Other names: c.566A>G, p.Glu189Gly (NM_001290216.3); c.209A>G, p.Glu70Gly (NM_001290217.2, NM_001290276.2, NM_016152.4); c.398A>G, p.Glu133Gly (NM_001290266.2); c.545A>G, p.Glu182Gly (NM_001290277.1); c.416A>G, p.Glu139Gly (NM_001290300.2); short protein forms E133G, E182G, E189G, E139G, E70G.
Identifiers: ClinVar variation 2807006 (VCV002807006.3), dbSNP rs1044203022, ClinGen allele CA71636448.
Genomic context (GRCh38, chr3:25,569,854, plus strand): 5'-CTTCGAAGCAAGAATGCACAGAGAGCTATGAAATGACAGCTGAGTTGGACGATCTCACAG[A>G]GAAGATCCGAAAAGCTCACCAGGAAACTTTCCCTTCACTCTGCCAGCTGGGTAAATACAC-3'
Protein context (NP_000956.2, residues 172-192): EMTAELDDLT[Glu182Gly]KIRKAHQETF